The following is an entry in ClinVar:

ClinVar aggregate classification (germline): Uncertain significance (1 of 4 stars; one submission).

Submission:

Ambry Genetics
Classification: Uncertain significance. Last evaluated: 2025-01-09. Review status: criteria provided, single submitter. Criteria: Ambry Variant Classification Scheme 2023. Collection method: clinical testing. Allele origin: germline.
Comment: The p.A1463V variant (also known as c.4388C>T), located in coding exon 19 of the WNK2 gene, results from a C to T substitution at nucleotide position 4388. The alanine at codon 1463 is replaced by valine, an amino acid with similar properties. This amino acid position is conserved. In addition, this alteration is predicted to be tolerated by in silico analysis. Based on the available evidence, the clinical significance of this variant remains unclear.

NM_006648.4(WNK2):c.4388C>T (p.Ala1463Val)

Gene: WNK2 (WNK lysine deficient protein kinase 2; plus strand). Cytogenetic location: 9q22.31.
Variant type: single nucleotide variant.
Coding change: c.4388C>T on transcript NM_006648.4 (MANE Select); coding-DNA position 4388, C replaced by T.
Protein change: p.Ala1463Val; replaces alanine 1463 with valine.
Molecular consequence: missense variant.
Genome position (GRCh38, 1-based): chr9:93,289,142, C>T. VCF-style: chr9-93289142-C-T. GRCh37 (hg19) VCF-style: chr9-96051424-C-T.
Other names: c.4499C>T, p.Ala1500Val (NM_001282394.3); short protein forms A1500V, A1463V.
Identifiers: ClinVar variation 3816787 (VCV003816787.1).